The following is an entry in ClinVar:

ClinVar aggregate classification (germline): Likely benign (1 of 4 stars; one submission).

Allele frequency attached by ClinVar (database versions not stated): TOPMed 0.01266; 1000 Genomes Project 30x 0.01343; ESP Exome Variant Server 0.01254; 1000 Genomes Project 0.01318.
gnomAD v4.1: 3,338 of 1,379,868 alleles (0.24%); highest among the groups gnomAD compares: African/African-American, 3.8%; 57 homozygotes.

Submission:

GeneDx
Classification: Likely benign. Last evaluated: 2018-06-16. Review status: criteria provided, single submitter. Criteria: GeneDx Variant Classification (06012015). Collection method: clinical testing. Allele origin: germline. Affected: yes.
Comment: This variant is considered likely benign or benign based on one or more of the following criteria: it is a conservative change, it occurs at a poorly conserved position in the protein, it is predicted to be benign by multiple in silico algorithms, and/or has population frequency not consistent with disease.

NM_017433.5(MYO3A):c.508+36A>T

Gene: MYO3A (myosin IIIA; plus strand). Cytogenetic location: 10p12.1.
Variant type: single nucleotide variant.
Coding change: c.508+36A>T on transcript NM_017433.5 (MANE Select); 36 bases into the intron after coding-DNA position 508, A replaced by T.
Molecular consequence: intron variant.
Genome position (GRCh38, 1-based): chr10:25,997,294, A>T. VCF-style: chr10-25997294-A-T. GRCh37 (hg19) VCF-style: chr10-26286223-A-T.
Other names: c.508+36A>T (NM_001368265.1).
Identifiers: ClinVar variation 678702 (VCV000678702.1), dbSNP rs75002566, ClinGen allele CA5444334.